The following is an entry in ClinVar:

NM_177438.3(DICER1):c.2708C>G (p.Ser903Cys)

Gene: DICER1 (dicer 1, ribonuclease III; minus strand). Cytogenetic location: 14q32.13.
Variant type: single nucleotide variant.
Coding change: c.2708C>G on transcript NM_177438.3 (MANE Select); coding-DNA position 2708, C replaced by G.
Protein change: p.Ser903Cys; replaces serine 903 with cysteine.
Molecular consequence: missense variant. On other transcripts: non-coding transcript variant (6).
Genome position (GRCh38, 1-based): chr14:95,107,704, G>C on the plus strand (C>G on the coding strand, the complement: DICER1 is on the minus strand). VCF-style: chr14-95107704-G-C. GRCh37 (hg19) VCF-style: chr14-95574041-G-C.
Other names: c.2708C>G, p.Ser903Cys (NM_001195573.1, NM_001271282.3, NM_001291628.2 and 12 more transcripts); c.2426C>G, p.Ser809Cys (NM_001395686.1); c.2303C>G, p.Ser768Cys (NM_001395687.1, NM_001395688.1, NM_001395689.1 and 2 more transcripts); c.2141C>G, p.Ser714Cys (NM_001395691.1); c.1025C>G, p.Ser342Cys (NM_001395697.1); short protein forms S903C, S809C, S342C, S714C, S768C.
Identifiers: ClinVar variation 5035282 (VCV005035282.1).

ClinVar aggregate classification (germline): Uncertain significance (1 of 4 stars; one submission).

Conditions:
Hereditary cancer-predisposing syndrome. Also called: Hereditary Cancer Syndrome; Neoplastic Syndromes, Hereditary; Tumor predisposition; Hereditary neoplastic syndrome. Identifiers: Orphanet 140162, MedGen C0027672, MeSH D009386, MONDO:0015356.

Submission:

Ambry Genetics
Classification: Uncertain significance for Hereditary cancer-predisposing syndrome. Last evaluated: 2026-07-07. Review status: criteria provided, single submitter. Criteria: Ambry Variant Classification Scheme 2023. Collection method: clinical testing. Allele origin: germline.
Comment: The p.S903C variant (also known as c.2708C>G), located in coding exon 16 of the DICER1 gene, results from a C to G substitution at nucleotide position 2708. The serine at codon 903 is replaced by cysteine, an amino acid with dissimilar properties. This amino acid position is conserved. In addition, the in silico prediction for this alteration is inconclusive. Based on the available evidence, the clinical significance of this variant remains unclear.